The following is an entry in ClinVar:

ClinVar aggregate classification (germline): Uncertain significance (1 of 4 stars; one submission).

Allele frequency attached by ClinVar (database versions not stated): gnomAD exomes below 0.00001; gnomAD 0.00001; TOPMed 0.00001.
gnomAD v4.1: 3 of 1,551,140 alleles (0.00019%); highest among the groups gnomAD compares: Non-Finnish European, 0.00026%; no homozygotes.

Submission:

Labcorp Genetics (formerly Invitae), Labcorp
Classification: Uncertain significance. Last evaluated: 2023-07-10. Review status: criteria provided, single submitter. Criteria: Invitae Variant Classification Sherloc (09022015). Collection method: clinical testing. Allele origin: germline.
Comment: This sequence change falls in intron 48 of the UNC80 gene. It does not directly change the encoded amino acid sequence of the UNC80 protein. It affects a nucleotide within the consensus splice site. This variant is not present in population databases (gnomAD no frequency). This variant has not been reported in the literature in individuals affected with UNC80-related conditions. ClinVar contains an entry for this variant (Variation ID: 1354805). Variants that disrupt the consensus splice site are a relatively common cause of aberrant splicing (PMID: 17576681, 9536098). Algorithms developed to predict the effect of sequence changes on RNA splicing suggest that this variant is not likely to affect RNA splicing. In summary, the available evidence is currently insufficient to determine the role of this variant in disease. Therefore, it has been classified as a Variant of Uncertain Significance.

Literature cited by the submitters: PubMed 17576681; PubMed 9536098.

NM_001371986.1(UNC80):c.7550+6T>G

Gene: UNC80 (unc-80 homolog, NALCN channel complex subunit; plus strand). Cytogenetic location: 2q34.
Variant type: single nucleotide variant.
Coding change: c.7550+6T>G on transcript NM_001371986.1 (MANE Select); 6 bases into the intron after coding-DNA position 7550, T replaced by G.
Molecular consequence: intron variant.
Genome position (GRCh38, 1-based): chr2:209,957,742, T>G. VCF-style: chr2-209957742-T-G. GRCh37 (hg19) VCF-style: chr2-210822466-T-G.
Other names: c.7352+6T>G (NM_032504.2); c.7337+6T>G (NM_182587.4).
Identifiers: ClinVar variation 1354805 (VCV001354805.4), dbSNP rs1234571051, ClinGen allele CA764100869.